The following is an entry in ClinVar:

ClinVar aggregate classification (germline): Likely pathogenic (1 of 4 stars; one submission).

Conditions:
Leber congenital amaurosis (LCA). Also called: Leber's amaurosis. Identifiers: Orphanet 65, MedGen C0339527, MeSH D057130, MONDO:0018998.

Submission:

Natera, Inc.
Classification: Likely pathogenic for Leber congenital amaurosis. Last evaluated: 2024-12-05. Review status: criteria provided, single submitter. Criteria: Natera Variant Classification Schema (03/2026). Collection method: clinical testing. Allele origin: germline.
Comment: The c.35_36dup variant in CEP290 is a frameshift variant predicted to shift the reading frame beginning at codon 13 and leads to a stop codon 18 codons downstream. This variant is expected to result in nonsense mediated decay, truncation, or a dysfunctional protein product. This variant is rare in the general population with a frequency below the threshold expected for the associated phenotype(s). Given the available evidence, this variant is classified as Likely Pathogenic.

NM_025114.4(CEP290):c.35_36dup (p.Val13fs)

Gene: CEP290 (centrosomal protein 290; minus strand). Cytogenetic location: 12q21.32.
Variant type: Duplication.
Coding change: c.35_36dup on transcript NM_025114.4 (MANE Select); coding-DNA positions 35 to 36, 2 bases duplicated (AA; older notation c.35_36dupAA).
Protein change: p.Val13fs; shifts the reading frame from valine 13.
Molecular consequence: frameshift variant.
Genome position (GRCh38, 1-based): chr12:88,141,272-88,141,273, TT duplicated on the plus strand (AA on the coding strand, the reverse complement: CEP290 is on the minus strand); duplicating any 2 consecutive bases within chr12:88,141,272-88,141,274 gives the same sequence; the c. name uses the placement nearest the transcript's 3' end. VCF-style (leftmost placement, unchanged base first): chr12-88141271-C-CTT. GRCh37 (hg19) VCF-style: chr12-88535048-C-CTT.
Other names: short protein forms V13fs.
Identifiers: ClinVar variation 4816209 (VCV004816209.1).